The following is an entry in ClinVar:

ClinVar aggregate classification (germline): Likely benign (1 of 4 stars; one submission).

Submission:

CeGaT Center for Human Genetics Tuebingen
Classification: Likely benign. Last evaluated: 2025-12-01. Review status: criteria provided, single submitter. Criteria: CeGaT Center For Human Genetics Tuebingen Variant Classification Criteria Version 2. Collection method: clinical testing. Allele origin: germline. Affected: yes. Observed: 2 variant alleles.
Comment: ARID1B: BS1

NM_001374828.1(ARID1B):c.19GCG[9] (p.Ala14_Arg15insAla)

Genes: ARID1B (AT-rich interaction domain 1B; plus strand), LOC115308161 (uncharacterized LOC115308161; minus strand), LOC129997522 (ATAC-STARR-seq lymphoblastoid silent region 17709; plus strand). Cytogenetic location: 6q25.3.
Variant type: Microsatellite.
Coding change: c.19GCG[9] on transcript NM_001374828.1 (MANE Select); nine copies in a row of the 3-base unit GCG starting at c.19; the reference has eight copies in a row; one copy, 3 bases duplicated.
Protein change: p.Ala14_Arg15insAla.
Molecular consequence: inframe insertion.
Genome position (GRCh38, 1-based): chr6:156,777,720-156,777,722, GCG duplicated; duplicating any 3 consecutive bases within chr6:156,777,699-156,777,722 gives the same sequence; the position shown is the placement nearest the transcript's 3' end. VCF-style (leftmost placement, unchanged base first): chr6-156777698-A-AGCG. GRCh37 (hg19) VCF-style: chr6-157098832-A-AGCG.
Other names: c.19GCG[9], p.Ala14_Arg15insAla (NM_001371656.1, NM_001374820.1, NM_001438482.1 and 9 more transcripts).
Identifiers: ClinVar variation 4281175 (VCV004281175.7).